The following is an entry in ClinVar:

ClinVar aggregate classification (germline): Uncertain significance (1 of 4 stars; one submission).

Submission:

CeGaT Center for Human Genetics Tuebingen
Classification: Uncertain significance. Last evaluated: 2025-12-01. Review status: criteria provided, single submitter. Criteria: CeGaT Center For Human Genetics Tuebingen Variant Classification Criteria Version 2. Collection method: clinical testing. Allele origin: germline. Affected: yes. Observed: 1 variant allele.
Comment: PLEC: PM2, PM4:Supporting

NM_201384.3(PLEC):c.7279_7281del (p.Lys2427del)

Gene: PLEC (plectin; minus strand). Cytogenetic location: 8q24.3.
Variant type: Deletion.
Coding change: c.7279_7281del on transcript NM_201384.3 (MANE Select); coding-DNA positions 7279 to 7281, 3 bases deleted (AAG; older notation c.7279_7281delAAG).
Protein change: p.Lys2427del; deletes lysine 2427.
Molecular consequence: intron variant (on NM_001410941.1).
Genome position (GRCh38, 1-based): chr8:143,922,648-143,922,650, CTT deleted on the plus strand (AAG on the coding strand, the reverse complement: PLEC is on the minus strand); deleting any 3 consecutive bases within chr8:143,922,648-143,922,652 gives the same sequence; the c. name uses the placement nearest the transcript's 3' end. VCF-style (leftmost placement, unchanged base first): chr8-143922647-CCTT-C. GRCh37 (hg19) VCF-style: chr8-144996815-CCTT-C.
Other names: c.7360_7362del, p.Lys2454del (NM_000445.5); c.7237_7239del, p.Lys2413del (NM_201378.4); c.7213_7215del, p.Lys2405del (NM_201379.3); c.7690_7692del, p.Lys2564del (NM_201380.4); c.7183_7185del, p.Lys2395del (NM_201381.3); c.7279_7281del, p.Lys2427del (NM_201382.4); c.7291_7293del, p.Lys2431del (NM_201383.3); c.4126-255_4126-253del (NM_001410941.1); short protein forms K2395del, K2405del, K2413del, K2427del, K2431del, K2454del, K2564del.
Identifiers: ClinVar variation 4681783 (VCV004681783.5).
Genomic context (GRCh38, chr8:143,922,647, plus strand): 5'-GGCGCTCGGCATCATGGTCACTCTGCTGTCGCTGGATCTCCAGTGTCTGCACCAGGGTCA[CCTT>C]CTCCTGGGTGGCGAGCTCCGTGCGGTGCAGCTTCTCACCGATCTCCTCCGCCTGCTTCCG-3'